The following is an entry in ClinVar:

ClinVar aggregate classification (germline): Pathogenic (1 of 4 stars; one submission).

Submission:

Labcorp Genetics (formerly Invitae), Labcorp
Classification: Pathogenic. Last evaluated: 2021-11-14. Review status: criteria provided, single submitter. Criteria: Invitae Variant Classification Sherloc (09022015). Collection method: clinical testing. Allele origin: germline.
Comment: This variant is not present in population databases (gnomAD no frequency). For these reasons, this variant has been classified as Pathogenic. This variant has not been reported in the literature in individuals affected with SEC24D-related conditions. This sequence change creates a premature translational stop signal (p.Tyr383*) in the SEC24D gene. It is expected to result in an absent or disrupted protein product. Loss-of-function variants in SEC24D are known to be pathogenic (PMID: 25683121, 30462379).

Literature cited by the submitters: PubMed 25683121; PubMed 30462379.

NM_014822.4(SEC24D):c.1149T>A (p.Tyr383Ter)

Gene: SEC24D (SEC24 homolog D, COPII component; minus strand). Cytogenetic location: 4q26.
Variant type: single nucleotide variant.
Coding change: c.1149T>A on transcript NM_014822.4 (MANE Select); coding-DNA position 1149, T replaced by A.
Protein change: p.Tyr383Ter; replaces tyrosine 383 with a stop codon.
Molecular consequence: nonsense.
Genome position (GRCh38, 1-based): chr4:118,768,204, A>T on the plus strand (T>A on the coding strand, the complement: SEC24D is on the minus strand). VCF-style: chr4-118768204-A-T. GRCh37 (hg19) VCF-style: chr4-119689359-A-T.
Other names: c.1152T>A, p.Tyr384Ter (NM_001318066.2); short protein forms Y383*, Y384*.
Identifiers: ClinVar variation 1458019 (VCV001458019.6), dbSNP rs142002294, ClinGen allele CA358012754.